The following is an entry in ClinVar:

ClinVar aggregate classification (germline): Likely benign. Review status: criteria provided, multiple submitters, no conflicts (2 of 4 stars). 2 submissions from 2 submitters: Likely benign (2). Last evaluated 2025-08-04.

Allele frequency attached by ClinVar (database versions not stated): TOPMed below 0.00001; gnomAD exomes 0.00002 and 0.00003; ExAC 0.00003.
gnomAD v4.1: 25 of 1,613,720 alleles (0.0015%); highest among the groups gnomAD compares: South Asian, 0.023%; 1 homozygote.

Submissions (2):

Labcorp Genetics (formerly Invitae), Labcorp
Classification: Likely benign. Last evaluated: 2025-08-04. Review status: criteria provided, single submitter. Criteria: Invitae Variant Classification Sherloc (09022015). Collection method: clinical testing. Allele origin: germline.

CeGaT Center for Human Genetics Tuebingen
Classification: Likely benign. Last evaluated: 2024-03-01. Review status: criteria provided, single submitter. Criteria: CeGaT Center For Human Genetics Tuebingen Variant Classification Criteria Version 2. Collection method: clinical testing. Allele origin: germline. Affected: yes. Observed: 1 variant allele.
Comment: ADGRV1: BP4, BP7

NM_032119.4(ADGRV1):c.5856C>T (p.Leu1952=)

Gene: ADGRV1 (adhesion G protein-coupled receptor V1; plus strand). Cytogenetic location: 5q14.3.
Variant type: single nucleotide variant.
Coding change: c.5856C>T on transcript NM_032119.4 (MANE Select); coding-DNA position 5856, C replaced by T.
Protein change: p.Leu1952=; no amino-acid change (leucine 1952 retained).
Molecular consequence: synonymous variant. On other transcripts: non-coding transcript variant (1).
Genome position (GRCh38, 1-based): chr5:90,683,777, C>T. VCF-style: chr5-90683777-C-T. GRCh37 (hg19) VCF-style: chr5-89979594-C-T.
Identifiers: ClinVar variation 1664178 (VCV001664178.29), dbSNP rs769734785, ClinGen allele CA3339678.